The following is an entry in ClinVar:

ClinVar aggregate classification (germline): Uncertain significance (1 of 4 stars; one submission).

Allele frequency attached by ClinVar (database versions not stated): gnomAD exomes below 0.00001; TOPMed below 0.00001; gnomAD 0.00001.
gnomAD v4.1: 7 of 1,613,926 alleles (0.00043%); highest among the groups gnomAD compares: Admixed American, 0.0033%; no homozygotes.

Submission:

Labcorp Genetics (formerly Invitae), Labcorp
Classification: Uncertain significance. Last evaluated: 2024-10-28. Review status: criteria provided, single submitter. Criteria: Invitae Variant Classification Sherloc (09022015). Collection method: clinical testing. Allele origin: germline.
Comment: This sequence change replaces glutamic acid, which is acidic and polar, with glycine, which is neutral and non-polar, at codon 190 of the CCBE1 protein (p.Glu190Gly). This variant is present in population databases (no rsID available, gnomAD 0.003%). This variant has not been reported in the literature in individuals affected with CCBE1-related conditions. ClinVar contains an entry for this variant (Variation ID: 1485304). Invitae Evidence Modeling of protein sequence and biophysical properties (such as structural, functional, and spatial information, amino acid conservation, physicochemical variation, residue mobility, and thermodynamic stability) indicates that this missense variant is not expected to disrupt CCBE1 protein function with a negative predictive value of 80%. In summary, the available evidence is currently insufficient to determine the role of this variant in disease. Therefore, it has been classified as a Variant of Uncertain Significance.

NM_133459.4(CCBE1):c.569A>G (p.Glu190Gly)

Gene: CCBE1 (collagen and calcium binding EGF domains 1; minus strand). Cytogenetic location: 18q21.32.
Variant type: single nucleotide variant.
Coding change: c.569A>G on transcript NM_133459.4 (MANE Select); coding-DNA position 569, A replaced by G.
Protein change: p.Glu190Gly; replaces glutamic acid 190 with glycine.
Molecular consequence: missense variant.
Genome position (GRCh38, 1-based): chr18:59,454,936, T>C on the plus strand (A>G on the coding strand, the complement: CCBE1 is on the minus strand). VCF-style: chr18-59454936-T-C. GRCh37 (hg19) VCF-style: chr18-57122168-T-C.
Other names: short protein forms E190G.
Identifiers: ClinVar variation 1485304 (VCV001485304.8), dbSNP rs1485377642, ClinGen allele CA402596935.
Genomic context (GRCh38, chr18:59,454,936, plus strand): 5'-TGCTTCATCTGGTAGAACTCCTTGCATGTGGCACAGCAAGTTCCGGCTTTCACCATGTTC[T>C]CAGACTTCTCATGGCCTGAGAAAGGAGATAGGCTCAGTCCTGTCTGGGAGGCTGGATGCA-3'
Protein context (NP_597716.1, residues 180-200): YPNDTGHEKS[Glu190Gly]NMVKAGTCCA